The following is an entry in ClinVar:

NM_145290.4(ADGRA3):c.3727T>C (p.Cys1243Arg)

Gene: ADGRA3 (adhesion G protein-coupled receptor A3; minus strand). Cytogenetic location: 4p15.2.
Variant type: single nucleotide variant.
Coding change: c.3727T>C on transcript NM_145290.4 (MANE Select); coding-DNA position 3727, T replaced by C.
Protein change: p.Cys1243Arg; replaces cysteine 1243 with arginine.
Molecular consequence: missense variant.
Genome position (GRCh38, 1-based): chr4:22,387,944, A>G on the plus strand (T>C on the coding strand, the complement: ADGRA3 is on the minus strand). VCF-style: chr4-22387944-A-G. GRCh37 (hg19) VCF-style: chr4-22389567-A-G.
Other names: short protein forms C1243R.
Identifiers: ClinVar variation 1429261 (VCV001429261.6), dbSNP rs765533879, ClinGen allele CA2873308.

ClinVar aggregate classification (germline): Uncertain significance (1 of 4 stars; one submission).

Allele frequency attached by ClinVar (database versions not stated): ExAC 0.00001; TOPMed 0.00001; gnomAD 0.00002; gnomAD exomes 0.00004 and 0.00006.
gnomAD v4.1: 92 of 1,614,038 alleles (0.0057%); highest among the groups gnomAD compares: Non-Finnish European, 0.0075%; no homozygotes.

Submission:

Labcorp Genetics (formerly Invitae), Labcorp
Classification: Uncertain significance. Last evaluated: 2022-03-28. Review status: criteria provided, single submitter. Criteria: Invitae Variant Classification Sherloc (09022015). Collection method: clinical testing. Allele origin: germline.
Comment: This sequence change replaces cysteine, which is neutral and slightly polar, with arginine, which is basic and polar, at codon 1243 of the ADGRA3 protein (p.Cys1243Arg). This variant is present in population databases (rs765533879, gnomAD 0.008%). This variant has not been reported in the literature in individuals affected with ADGRA3-related conditions. Algorithms developed to predict the effect of missense changes on protein structure and function (SIFT, PolyPhen-2, Align-GVGD) all suggest that this variant is likely to be tolerated. In summary, the available evidence is currently insufficient to determine the role of this variant in disease. Therefore, it has been classified as a Variant of Uncertain Significance.